The following is an entry in ClinVar:

ClinVar aggregate classification (germline): Uncertain significance (1 of 4 stars; one submission).

Conditions:
Inborn genetic diseases. Identifiers: MedGen C0950123, MeSH D030342.

Allele frequency attached by ClinVar (database versions not stated): gnomAD exomes below 0.00001.

Submission:

Ambry Genetics
Classification: Uncertain significance for Inborn genetic diseases. Last evaluated: 2022-11-26. Review status: criteria provided, single submitter. Criteria: Ambry Variant Classification Scheme 2023. Collection method: clinical testing. Allele origin: germline.
Comment: The p.N142S variant (also known as c.425A>G), located in coding exon 2 of the PIK3CA gene, results from an A to G substitution at nucleotide position 425. The asparagine at codon 142 is replaced by serine, an amino acid with highly similar properties. This amino acid position is conserved. In addition, this alteration is predicted to be tolerated by in silico analysis. Since supporting evidence is limited at this time, the clinical significance of this alteration remains unclear.

NM_006218.4(PIK3CA):c.425A>G (p.Asn142Ser)

Gene: PIK3CA (phosphatidylinositol-4,5-bisphosphate 3-kinase catalytic subunit alpha; plus strand). Cytogenetic location: 3q26.32.
Variant type: single nucleotide variant.
Coding change: c.425A>G on transcript NM_006218.4 (MANE Select); coding-DNA position 425, A replaced by G.
Protein change: p.Asn142Ser; replaces asparagine 142 with serine.
Molecular consequence: missense variant.
Genome position (GRCh38, 1-based): chr3:179,199,762, A>G. VCF-style: chr3-179199762-A-G. GRCh37 (hg19) VCF-style: chr3-178917550-A-G.
Other names: short protein forms N142S.
Identifiers: ClinVar variation 2453442 (VCV002453442.2), dbSNP rs2108387392, ClinGen allele CA355273565.